The following is an entry in ClinVar:

ClinVar aggregate classification (germline): Uncertain significance (1 of 4 stars; one submission).

Conditions:
Nephronophthisis 9 (NPHP9). Identifiers: Orphanet 655, MedGen C3151188, MONDO:0013444, OMIM 613824.

Allele frequency attached by ClinVar (database versions not stated): TOPMed below 0.00001.
gnomAD v4.1: 2 of 1,614,128 alleles (0.00012%); no homozygotes.

Submission:

Labcorp Genetics (formerly Invitae), Labcorp
Classification: Uncertain significance for Nephronophthisis 9. Last evaluated: 2022-03-25. Review status: criteria provided, single submitter. Criteria: Invitae Variant Classification Sherloc (09022015). Collection method: clinical testing. Allele origin: germline.
Comment: In summary, the available evidence is currently insufficient to determine the role of this variant in disease. Therefore, it has been classified as a Variant of Uncertain Significance. Algorithms developed to predict the effect of missense changes on protein structure and function are either unavailable or do not agree on the potential impact of this missense change (SIFT: "Deleterious"; PolyPhen-2: "Probably Damaging"; Align-GVGD: "Class C15"). This variant has not been reported in the literature in individuals affected with NEK8-related conditions. This variant is present in population databases (no rsID available, gnomAD 0.003%). This sequence change replaces phenylalanine, which is neutral and non-polar, with leucine, which is neutral and non-polar, at codon 402 of the NEK8 protein (p.Phe402Leu).

NM_178170.3(NEK8):c.1204T>C (p.Phe402Leu)

Gene: NEK8 (NIMA related kinase 8; plus strand). Cytogenetic location: 17q11.2.
Variant type: single nucleotide variant.
Coding change: c.1204T>C on transcript NM_178170.3 (MANE Select); coding-DNA position 1204, T replaced by C.
Protein change: p.Phe402Leu; replaces phenylalanine 402 with leucine.
Molecular consequence: missense variant.
Genome position (GRCh38, 1-based): chr17:28,738,227, T>C. VCF-style: chr17-28738227-T-C. GRCh37 (hg19) VCF-style: chr17-27065245-T-C.
Other names: short protein forms F402L.
Identifiers: ClinVar variation 1949501 (VCV001949501.5), dbSNP rs1469214574, ClinGen allele CA398351924.